The following is an entry in ClinVar:

ClinVar aggregate classification (germline): Benign/Likely benign. Review status: criteria provided, multiple submitters, no conflicts (2 of 4 stars). 4 submissions from 4 submitters: Benign (2); Likely benign (2). Last evaluated 2025-12-30.

Conditions:
Paroxysmal nonkinesigenic dyskinesia 1 (PNKD1). Also called: Nonkinesigenic choreoathetosis; Familial paroxysmal choreoathetosis; DYSTONIA 8; Familial Paroxysmal Nonkinesigenic Dyskinesia; MOUNT-REBACK SYNDROME; PxMD-PNKD. Identifiers: Orphanet 98810, MedGen C4551506, MONDO:0700089, OMIM 118800, MONDO:0007326.
Paroxysmal nonkinesigenic dyskinesia. Also called: Paroxysmal non-kinesigenic dyskinesia. Identifiers: Orphanet 98810, MedGen C1869117, MONDO:0700088.

Allele frequency attached by ClinVar (database versions not stated): TOPMed 0.00124; 1000 Genomes Project 30x 0.00203; 1000 Genomes Project 0.00240; ExAC 0.00330.
gnomAD v4.1: 1,045 of 1,602,846 alleles (0.065%); highest among the groups gnomAD compares: East Asian, 1.2%; 4 homozygotes.

Submissions (4):

Labcorp Genetics (formerly Invitae), Labcorp
Classification: Benign for Paroxysmal nonkinesigenic dyskinesia. Last evaluated: 2025-12-30. Review status: criteria provided, single submitter. Criteria: Invitae Variant Classification Sherloc (09022015). Collection method: clinical testing. Allele origin: germline.

Blueprint Genetics
Classification: Likely benign. Last evaluated: 2024-11-08. Review status: criteria provided, single submitter. Criteria: ACMG Guidelines, 2015. Collection method: clinical testing. Allele origin: germline.

GeneDx
Classification: Likely benign. Last evaluated: 2020-11-05. Review status: criteria provided, single submitter. Criteria: GeneDx Variant Classification Process June 2021. Collection method: clinical testing. Allele origin: germline. Affected: yes.

Illumina Laboratory Services, Illumina
Classification: Benign for Paroxysmal nonkinesigenic dyskinesia 1. Last evaluated: 2018-01-13. Review status: criteria provided, single submitter. Criteria: ICSL Variant Classification Criteria 13 December 2019. Collection method: clinical testing. Allele origin: germline.
Comment: This variant was observed in the ICSL laboratory as part of a predisposition screen in an ostensibly healthy population. It had not been previously curated by ICSL or reported in the Human Gene Mutation Database (HGMD: prior to June 1st, 2018), and was therefore a candidate for classification through an automated scoring system. Utilizing variant allele frequency, disease prevalence and penetrance estimates, and inheritance mode, an automated score was calculated to assess if this variant is too frequent to cause the disease. Based on the score and internal cut-off values, a variant classified as benign is not then subjected to further curation. The score for this variant resulted in a classification of benign for this disease.

NM_015488.5(PNKD):c.560G>A (p.Arg187Gln)

Genes: CATIP-AS2 (CATIP antisense RNA 2; minus strand), PNKD (PNKD metallo-beta-lactamase domain containing; plus strand). Cytogenetic location: 2q35.
Variant type: single nucleotide variant.
Coding change: c.560G>A on transcript NM_015488.5 (MANE Select); coding-DNA position 560, G replaced by A.
Protein change: p.Arg187Gln; replaces arginine 187 with glutamine.
Molecular consequence: missense variant.
Genome position (GRCh38, 1-based): chr2:218,341,569, G>A. VCF-style: chr2-218341569-G-A. GRCh37 (hg19) VCF-style: chr2-219206292-G-A.
Other names: c.488G>A, p.Arg163Gln (NM_022572.5); short protein forms R187Q, R163Q.
Identifiers: ClinVar variation 334320 (VCV000334320.18), dbSNP rs141506076, ClinGen allele CA2104008.